The following is an entry in ClinVar:

ClinVar aggregate classification (germline): Uncertain significance (1 of 4 stars; one submission).

Conditions:
Muscular dystrophy-dystroglycanopathy type B6 (MDDGB6). Also called: MUSCULAR DYSTROPHY-DYSTROGLYCANOPATHY (CONGENITAL WITH IMPAIRED INTELLECTUAL DEVELOPMENT), TYPE B, 6; MUSCULAR DYSTROPHY, CONGENITAL, LARGE-RELATED; MUSCULAR DYSTROPHY, CONGENITAL, TYPE 1D. Identifiers: MedGen C1837229, MONDO:0012138, OMIM 608840.

Submission:

Labcorp Genetics (formerly Invitae), Labcorp
Classification: Uncertain significance for Muscular dystrophy-dystroglycanopathy type B6. Last evaluated: 2020-12-20. Review status: criteria provided, single submitter. Criteria: Invitae Variant Classification Sherloc (09022015). Collection method: clinical testing. Allele origin: germline.
Comment: This variant results in a copy number gain of the genomic region encompassing exon(s) 8-16 of the LARGE1 gene. The 5' boundary is likely confined to intron 7. The 3' end of this event is unknown as it extends beyond the assayed region for this gene and therefore may encompass additional genes. As the precise location of this event is unknown, it may be in tandem or it may be located elsewhere in the genome. This variant has not been reported in the literature in individuals with LARGE1-related conditions. Experimental studies and prediction algorithms are not available or were not evaluated, and the functional significance of this variant is currently unknown. In summary, the available evidence is currently insufficient to determine the role of this variant in disease. Therefore, it has been classified as a Variant of Uncertain Significance.

NC_000022.10:g.(?_33670403)_(33828261_?)dup

Gene: LARGE1 (LARGE xylosyl- and glucuronyltransferase 1; minus strand). Cytogenetic location: 22q12.3.
Variant type: Duplication.
Identifiers: ClinVar variation 1411278 (VCV001411278.5).